The following is an entry in ClinVar:

NM_000075.4(CDK4):c.743C>A (p.Ala248Asp)

Genes: TSPAN31 (tetraspanin 31; plus strand), CDK4 (cyclin dependent kinase 4; minus strand). Cytogenetic location: 12q14.1.
Variant type: single nucleotide variant.
Coding change: c.743C>A on transcript NM_000075.4 (MANE Select); coding-DNA position 743, C replaced by A.
Protein change: p.Ala248Asp; replaces alanine 248 with aspartic acid.
Molecular consequence: missense variant. On other transcripts: 3 prime UTR variant (3).
Genome position (GRCh38, 1-based): chr12:57,749,258, G>T on the plus strand (C>A on the coding strand, the complement: CDK4 is on the minus strand). VCF-style: chr12-57749258-G-T. GRCh37 (hg19) VCF-style: chr12-58143041-G-T.
Other names: c.*1968G>T (NM_001330168.2, NM_001330169.2, NM_005981.5); short protein forms A248D.
Identifiers: ClinVar variation 1010775 (VCV001010775.12), dbSNP rs1595108770, ClinGen allele CA385543386.

ClinVar aggregate classification (germline): Uncertain significance. Review status: criteria provided, multiple submitters, no conflicts (2 of 4 stars). 2 submissions from 2 submitters: Uncertain significance (2). Last evaluated 2024-10-07.

Conditions:
Hereditary cancer-predisposing syndrome. Also called: Tumor predisposition; Hereditary neoplastic syndrome; Neoplastic Syndromes, Hereditary; Hereditary Cancer Syndrome. Identifiers: Orphanet 140162, MedGen C0027672, MeSH D009386, MONDO:0015356.
Familial melanoma. Also called: Hereditary melanoma; Hereditary cutaneous melanoma. Identifiers: Orphanet 618, MedGen C1512419, MONDO:0018961.

Allele frequency attached by ClinVar (database versions not stated): gnomAD exomes below 0.00001.
gnomAD v4.1: 1 of 1,614,092 alleles (0.000062%); highest among the groups gnomAD compares: Non-Finnish European, 0.000085%; no homozygotes.

Submissions (2):

Labcorp Genetics (formerly Invitae), Labcorp
Classification: Uncertain significance for Familial melanoma. Last evaluated: 2024-10-07. Review status: criteria provided, single submitter. Criteria: Invitae Variant Classification Sherloc (09022015). Collection method: clinical testing. Allele origin: germline.
Comment: This sequence change replaces alanine, which is neutral and non-polar, with aspartic acid, which is acidic and polar, at codon 248 of the CDK4 protein (p.Ala248Asp). This variant is not present in population databases (gnomAD no frequency). This variant has not been reported in the literature in individuals affected with CDK4-related conditions. ClinVar contains an entry for this variant (Variation ID: 1010775). Invitae Evidence Modeling of protein sequence and biophysical properties (such as structural, functional, and spatial information, amino acid conservation, physicochemical variation, residue mobility, and thermodynamic stability) indicates that this missense variant is not expected to disrupt CDK4 protein function with a negative predictive value of 95%. In summary, the available evidence is currently insufficient to determine the role of this variant in disease. Therefore, it has been classified as a Variant of Uncertain Significance.

Ambry Genetics
Classification: Uncertain significance for Hereditary cancer-predisposing syndrome. Last evaluated: 2024-08-19. Review status: criteria provided, single submitter. Criteria: Ambry Variant Classification Scheme 2023. Collection method: clinical testing. Allele origin: germline.
Comment: The p.A248D variant (also known as c.743C>A), located in coding exon 6 of the CDK4 gene, results from a C to A substitution at nucleotide position 743. The alanine at codon 248 is replaced by aspartic acid, an amino acid with dissimilar properties. This amino acid position is well conserved in available vertebrate species. In addition, this alteration is predicted to be tolerated by in silico analysis. Since supporting evidence is limited at this time, the clinical significance of this alteration remains unclear.